The following is an entry in ClinVar:

ClinVar aggregate classification (germline): Uncertain significance. Review status: criteria provided, multiple submitters, no conflicts (2 of 4 stars). 2 submissions from 2 submitters: Uncertain significance (2). Last evaluated 2025-10-24.

Conditions:
Charcot-Marie-Tooth disease axonal type 2S. Also called: CHARCOT-MARIE-TOOTH NEUROPATHY, TYPE 2S; CHARCOT-MARIE-TOOTH DISEASE, AXONAL, AUTOSOMAL RECESSIVE, TYPE 2S. Identifiers: Orphanet 443073, MedGen C4015349, MONDO:0014511, OMIM 616155.
Autosomal recessive distal spinal muscular atrophy 1. Also called: HMN VI; NEURONOPATHY, SEVERE INFANTILE AXONAL, WITH RESPIRATORY FAILURE; SEVERE INFANTILE AXONAL NEUROPATHY WITH RESPIRATORY FAILURE; SPINAL MUSCULAR ATROPHY, DIAPHRAGMATIC; Spinal muscular atrophy with respiratory distress 1; NEURONOPATHY, DISTAL HEREDITARY MOTOR, HARDING TYPE VI. Identifiers: Orphanet 98920, MedGen C1858517, MONDO:0011436, OMIM 604320.
Inborn genetic diseases. Identifiers: MedGen C0950123, MeSH D030342.

Allele frequency attached by ClinVar (database versions not stated): gnomAD 0.00002; TOPMed 0.00004; ExAC 0.00007; 1000 Genomes Project 0.00020; 1000 Genomes Project 30x 0.00031.

Submissions (2):

Ambry Genetics
Classification: Uncertain significance for Inborn genetic diseases. Last evaluated: 2025-10-24. Review status: criteria provided, single submitter. Criteria: Ambry Variant Classification Scheme 2023. Collection method: clinical testing. Allele origin: germline.

Juno Genomics, Hangzhou Juno Genomics, Inc
Classification: Uncertain significance for Autosomal recessive distal spinal muscular atrophy 1; Charcot-Marie-Tooth disease axonal type 2S. Review status: criteria provided, single submitter. Criteria: ACMG Guidelines, 2015. Collection method: clinical testing. Allele origin: germline.
Comment: Absent from controls (or at extremely low frequency if recessive) in Genome Aggregation Database.;Multiple lines of computational evidence support a deleterious effect on the gene or gene product.

NM_002180.3(IGHMBP2):c.1910G>A (p.Arg637His)

Gene: IGHMBP2 (immunoglobulin mu DNA binding protein 2; plus strand). Cytogenetic location: 11q13.3.
Variant type: single nucleotide variant.
Coding change: c.1910G>A on transcript NM_002180.3 (MANE Select); coding-DNA position 1910, G replaced by A.
Protein change: p.Arg637His; replaces arginine 637 with histidine.
Molecular consequence: missense variant.
Genome position (GRCh38, 1-based): chr11:68,936,390, G>A. VCF-style: chr11-68936390-G-A. GRCh37 (hg19) VCF-style: chr11-68703858-G-A.
Other names: short protein forms R637H.
Identifiers: ClinVar variation 2374530 (VCV002374530.5), dbSNP rs564004016, ClinGen allele CA6153802.